The following is an entry in ClinVar:

NM_006947.4(SRP72):c.1307A>T (p.Tyr436Phe)

Gene: SRP72 (signal recognition particle 72; plus strand). Cytogenetic location: 4q12.
Variant type: single nucleotide variant.
Coding change: c.1307A>T on transcript NM_006947.4 (MANE Select); coding-DNA position 1307, A replaced by T.
Protein change: p.Tyr436Phe; replaces tyrosine 436 with phenylalanine.
Molecular consequence: missense variant. On other transcripts: non-coding transcript variant (1).
Genome position (GRCh38, 1-based): chr4:56,489,470, A>T. VCF-style: chr4-56489470-A-T. GRCh37 (hg19) VCF-style: chr4-57355636-A-T.
Other names: c.1124A>T, p.Tyr375Phe (NM_001267722.2); c.1307A>T (NM_006947.3); short protein forms Y375F, Y436F.
Identifiers: ClinVar variation 2892987 (VCV002892987.5), dbSNP rs748519808, ClinGen allele CA2931323.

ClinVar aggregate classification (germline): Uncertain significance. Review status: criteria provided, multiple submitters, no conflicts (2 of 4 stars). 3 submissions from 3 submitters: Uncertain significance (3). Last evaluated 2025-01-10.

Allele frequency attached by ClinVar (database versions not stated): gnomAD 0.00001; TOPMed 0.00001; ExAC 0.00002.
gnomAD v4.1: 8 of 1,576,486 alleles (0.00051%); highest among the groups gnomAD compares: Non-Finnish European, 0.00061%; no homozygotes.

Submissions (3):

Ambry Genetics
Classification: Uncertain significance. Last evaluated: 2025-01-10. Review status: criteria provided, single submitter. Criteria: Ambry Variant Classification Scheme 2023. Collection method: clinical testing. Allele origin: germline.

Labcorp Genetics (formerly Invitae), Labcorp
Classification: Uncertain significance. Last evaluated: 2024-11-22. Review status: criteria provided, single submitter. Criteria: Invitae Variant Classification Sherloc (09022015). Collection method: clinical testing. Allele origin: germline.
Comment: This sequence change replaces tyrosine, which is neutral and polar, with phenylalanine, which is neutral and non-polar, at codon 436 of the SRP72 protein (p.Tyr436Phe). This variant is present in population databases (rs748519808, gnomAD 0.004%). This variant has not been reported in the literature in individuals affected with SRP72-related conditions. ClinVar contains an entry for this variant (Variation ID: 2892987). Invitae Evidence Modeling of protein sequence and biophysical properties (such as structural, functional, and spatial information, amino acid conservation, physicochemical variation, residue mobility, and thermodynamic stability) indicates that this missense variant is not expected to disrupt SRP72 protein function with a negative predictive value of 80%. In summary, the available evidence is currently insufficient to determine the role of this variant in disease. Therefore, it has been classified as a Variant of Uncertain Significance.

Blueprint Genetics
Classification: Uncertain significance. Last evaluated: 2020-07-14. Review status: criteria provided, single submitter. Criteria: ACMG Guidelines, 2015. Collection method: clinical testing. Allele origin: germline.